The following is an entry in ClinVar:

ClinVar aggregate classification (germline): Uncertain significance. Review status: criteria provided, multiple submitters, no conflicts (2 of 4 stars). 3 submissions from 3 submitters: Uncertain significance (3). Last evaluated 2024-10-07.

Allele frequency attached by ClinVar (database versions not stated): ExAC 0.00006; gnomAD 0.00002; gnomAD exomes 0.00002 and 0.00003; TOPMed 0.00003.
gnomAD v4.1: 32 of 1,613,640 alleles (0.002%); highest among the groups gnomAD compares: Non-Finnish European, 0.0025%; no homozygotes.

Submissions (3):

Labcorp Genetics (formerly Invitae), Labcorp
Classification: Uncertain significance. Last evaluated: 2024-10-07. Review status: criteria provided, single submitter. Criteria: Invitae Variant Classification Sherloc (09022015). Collection method: clinical testing. Allele origin: germline.
Comment: This sequence change replaces glycine, which is neutral and non-polar, with glutamic acid, which is acidic and polar, at codon 526 of the ICK protein (p.Gly526Glu). This variant is present in population databases (rs758717575, gnomAD 0.007%). This variant has not been reported in the literature in individuals affected with ICK-related conditions. ClinVar contains an entry for this variant (Variation ID: 1680536). Invitae Evidence Modeling of protein sequence and biophysical properties (such as structural, functional, and spatial information, amino acid conservation, physicochemical variation, residue mobility, and thermodynamic stability) indicates that this missense variant is not expected to disrupt ICK protein function with a negative predictive value of 80%. In summary, the available evidence is currently insufficient to determine the role of this variant in disease. Therefore, it has been classified as a Variant of Uncertain Significance.

Women's Health and Genetics/Laboratory Corporation of America, LabCorp
Classification: Uncertain significance. Last evaluated: 2024-05-21. Review status: criteria provided, single submitter. Criteria: LabCorp Variant Classification Summary - May 2015. Collection method: clinical testing. Allele origin: germline.
Comment: Variant summary: CILK1 c.1577G>A (p.Gly526Glu) results in a non-conservative amino acid change in the encoded protein sequence. Three of five in-silico tools predict a benign effect of the variant on protein function. The variant allele was found at a frequency of 3.2e-05 in 282850 control chromosomes. The available data on variant occurrences in the general population are insufficient to allow any conclusion about variant significance. To our knowledge, no occurrence of c.1577G>A in individuals affected with CILK1-Related Disorders and no experimental evidence demonstrating its impact on protein function have been reported. ClinVar contains an entry for this variant (Variation ID: 1680536). Based on the evidence outlined above, the variant was classified as uncertain significance.

Ambry Genetics
Classification: Uncertain significance. Last evaluated: 2021-09-16. Review status: criteria provided, single submitter. Criteria: Ambry Variant Classification Scheme 2023. Collection method: clinical testing. Allele origin: germline.

NM_014920.5(CILK1):c.1577G>A (p.Gly526Glu)

Gene: CILK1 (ciliogenesis associated kinase 1; minus strand). Cytogenetic location: 6p12.1.
Variant type: single nucleotide variant.
Coding change: c.1577G>A on transcript NM_014920.5 (MANE Select); coding-DNA position 1577, G replaced by A.
Protein change: p.Gly526Glu; replaces glycine 526 with glutamic acid.
Molecular consequence: missense variant. On other transcripts: non-coding transcript variant (1).
Genome position (GRCh38, 1-based): chr6:53,009,483, C>T on the plus strand (G>A on the coding strand, the complement: CILK1 is on the minus strand). VCF-style: chr6-53009483-C-T. GRCh37 (hg19) VCF-style: chr6-52874281-C-T.
Other names: c.1598G>A, p.Gly533Glu (NM_001375397.1); c.1577G>A, p.Gly526Glu (NM_001375398.1, NM_001375399.1, NM_001375400.1 and 3 more transcripts); c.1577G>A (NM_016513.4); short protein forms G526E, G533E.
Identifiers: ClinVar variation 1680536 (VCV001680536.7), dbSNP rs758717575, ClinGen allele CA3858512.